The following is an entry in ClinVar:

NM_170682.4(P2RX2):c.554+14C>A

Gene: P2RX2 (purinergic receptor P2X 2; plus strand). Cytogenetic location: 12q24.33.
Variant type: single nucleotide variant.
Coding change: c.554+14C>A on transcript NM_170682.4 (MANE Select); 14 bases into the intron after coding-DNA position 554, C replaced by A.
Molecular consequence: intron variant.
Genome position (GRCh38, 1-based): chr12:132,620,110, C>A. VCF-style: chr12-132620110-C-A. GRCh37 (hg19) VCF-style: chr12-133196696-C-A.
Other names: c.554+14C>A (NM_001282165.2, NM_170683.4, NM_174873.3); c.482+14C>A (NM_016318.4); c.447+14C>A (NM_001282164.2); c.338+14C>A (NM_012226.5); c.278+14C>A (NM_174872.3).
Identifiers: ClinVar variation 226985 (VCV000226985.18), dbSNP rs151253585, ClinGen allele CA6891534.

ClinVar aggregate classification (germline): Benign/Likely benign. Review status: criteria provided, multiple submitters, no conflicts (2 of 4 stars). 5 submissions from 5 submitters: Benign (3); Likely benign (2). Last evaluated 2026-02-01.

Allele frequency attached by ClinVar (database versions not stated): gnomAD exomes 0.01866; ExAC 0.02901; 1000 Genomes Project 0.00938; 1000 Genomes Project 30x 0.01015; gnomAD 0.01337; TOPMed 0.01637; ESP Exome Variant Server 0.01738.

Submissions (5):

Labcorp Genetics (formerly Invitae), Labcorp
Classification: Benign. Last evaluated: 2026-02-01. Review status: criteria provided, single submitter. Criteria: Invitae Variant Classification Sherloc (09022015). Collection method: clinical testing. Allele origin: germline.

GeneDx
Classification: Likely benign. Last evaluated: 2018-06-16. Review status: criteria provided, single submitter. Criteria: GeneDx Variant Classification (06012015). Collection method: clinical testing. Allele origin: germline. Affected: yes.
Comment: This variant is considered likely benign or benign based on one or more of the following criteria: it is a conservative change, it occurs at a poorly conserved position in the protein, it is predicted to be benign by multiple in silico algorithms, and/or has population frequency not consistent with disease.

Eurofins Ntd Llc (ga)
Classification: Benign. Last evaluated: 2017-07-06. Review status: criteria provided, single submitter. Criteria: EGL Classification Definitions 2015. Collection method: clinical testing. Allele origin: germline. Observed: 1 variant allele, 1 heterozygote.

Laboratory for Molecular Medicine, Mass General Brigham Personalized Medicine
Classification: Benign. Last evaluated: 2014-11-24. Review status: criteria provided, single submitter. Criteria: LMM Criteria. Collection method: clinical testing. Allele origin: germline. Observed: 41 variant alleles.
Comment: 554+14C>A in intron 5 of P2RX2: This variant is not expected to have clinical si gnificance because it is not located within the conserved splice consensus seque nce. It has been identified in 2.4% (204/8534) of European American chromosomes from a broad population by the NHLBI Exome Sequencing Project (dbSNP rs151253585).

Breakthrough Genomics
Classification: Likely benign. Review status: criteria provided, single submitter. Criteria: ACMG Guidelines, 2015. Collection method: not provided. Allele origin: germline. Inheritance: Autosomal dominant inheritance. Affected: yes.